The following is an entry in ClinVar:

NM_001029883.3(PCARE):c.152A>G (p.Tyr51Cys)

Gene: PCARE (photoreceptor cilium actin regulator; minus strand). Cytogenetic location: 2p23.2.
Variant type: single nucleotide variant.
Coding change: c.152A>G on transcript NM_001029883.3 (MANE Select); coding-DNA position 152, A replaced by G.
Protein change: p.Tyr51Cys; replaces tyrosine 51 with cysteine.
Molecular consequence: missense variant.
Genome position (GRCh38, 1-based): chr2:29,074,110, T>C on the plus strand (A>G on the coding strand, the complement: PCARE is on the minus strand). VCF-style: chr2-29074110-T-C. GRCh37 (hg19) VCF-style: chr2-29296976-T-C.
Other names: short protein forms Y51C.
Identifiers: ClinVar variation 1479520 (VCV001479520.8), dbSNP rs1234781399, ClinGen allele CA1592706.

ClinVar aggregate classification (germline): Uncertain significance (1 of 4 stars; one submission).

Allele frequency attached by ClinVar (database versions not stated): gnomAD exomes below 0.00001; TOPMed 0.00001; ExAC 0.00002.

Submission:

Labcorp Genetics (formerly Invitae), Labcorp
Classification: Uncertain significance. Last evaluated: 2022-09-13. Review status: criteria provided, single submitter. Criteria: Invitae Variant Classification Sherloc (09022015). Collection method: clinical testing. Allele origin: germline.
Comment: ClinVar contains an entry for this variant (Variation ID: 1479520). In summary, the available evidence is currently insufficient to determine the role of this variant in disease. Therefore, it has been classified as a Variant of Uncertain Significance. Algorithms developed to predict the effect of missense changes on protein structure and function output the following: SIFT: "Tolerated"; PolyPhen-2: "Benign"; Align-GVGD: "Class C0". The cysteine amino acid residue is found in multiple mammalian species, which suggests that this missense change does not adversely affect protein function. This variant has not been reported in the literature in individuals affected with PCARE-related conditions. This variant is present in population databases (no rsID available, gnomAD 0.003%). This sequence change replaces tyrosine, which is neutral and polar, with cysteine, which is neutral and slightly polar, at codon 51 of the PCARE protein (p.Tyr51Cys).